The following is an entry in ClinVar:

NM_014423.4(AFF4):c.550C>T (p.Pro184Ser)

Gene: AFF4 (ALF transcription elongation factor 4; minus strand). Cytogenetic location: 5q31.1.
Variant type: single nucleotide variant.
Coding change: c.550C>T on transcript NM_014423.4 (MANE Select); coding-DNA position 550, C replaced by T.
Protein change: p.Pro184Ser; replaces proline 184 with serine.
Molecular consequence: missense variant.
Genome position (GRCh38, 1-based): chr5:132,934,515, G>A on the plus strand (C>T on the coding strand, the complement: AFF4 is on the minus strand). VCF-style: chr5-132934515-G-A. GRCh37 (hg19) VCF-style: chr5-132270207-G-A.
Other names: short protein forms P184S.
Identifiers: ClinVar variation 4977352 (VCV004977352.1).

ClinVar aggregate classification (germline): Uncertain significance (1 of 4 stars; one submission).

Conditions:
AFF4-related disorder. Also called: AFF4-related condition.

gnomAD v4.1: 2 of 1,614,164 alleles (0.00012%); highest among the groups gnomAD compares: South Asian, 0.0011%; no homozygotes.

Submission:

PreventionGenetics, part of Exact Sciences
Classification: Uncertain significance for AFF4-related condition. Last evaluated: 2025-11-03. Review status: criteria provided, single submitter. Criteria: ACMG Guidelines, 2015. Collection method: clinical testing. Allele origin: germline.
Comment: The AFF4 c.550C>T variant is predicted to result in the amino acid substitution p.Pro184Ser. To our knowledge, this variant has not been reported in the literature. This variant is reported in 0.0033% of alleles in individuals of South Asian descent in gnomAD. At this time, the clinical significance of this variant is uncertain due to the absence of conclusive functional and genetic evidence.